The following is an entry in ClinVar:

NM_015338.6(ASXL1):c.1961C>A (p.Ala654Asp)

Gene: ASXL1 (ASXL transcriptional regulator 1; plus strand). Cytogenetic location: 20q11.21.
Variant type: single nucleotide variant.
Coding change: c.1961C>A on transcript NM_015338.6 (MANE Select); coding-DNA position 1961, C replaced by A.
Protein change: p.Ala654Asp; replaces alanine 654 with aspartic acid.
Molecular consequence: missense variant.
Genome position (GRCh38, 1-based): chr20:32,434,673, C>A. VCF-style: chr20-32434673-C-A. GRCh37 (hg19) VCF-style: chr20-31022476-C-A.
Other names: c.1778C>A, p.Ala593Asp (NM_001363734.1); short protein forms A654D, A593D.
Identifiers: ClinVar variation 3957140 (VCV003957140.1).

ClinVar aggregate classification (germline): Uncertain significance (1 of 4 stars; one submission).

Conditions:
Inborn genetic diseases. Identifiers: MedGen C0950123, MeSH D030342.

gnomAD v4.1: 1 of 1,600,896 alleles (0.000062%); highest among the groups gnomAD compares: Non-Finnish European, 0.000085%; no homozygotes.

Submission:

Ambry Genetics
Classification: Uncertain significance for Inborn genetic diseases. Last evaluated: 2025-05-19. Review status: criteria provided, single submitter. Criteria: Ambry Variant Classification Scheme 2023. Collection method: clinical testing. Allele origin: germline.
Comment: The p.A654D variant (also known as c.1961C>A), located in coding exon 13 of the ASXL1 gene, results from a C to A substitution at nucleotide position 1961. The alanine at codon 654 is replaced by aspartic acid, an amino acid with dissimilar properties. This amino acid position is conserved. In addition, this alteration is predicted to be tolerated by in silico analysis. Based on the available evidence, the clinical significance of this variant remains unclear.